The following is an entry in ClinVar:

NM_000053.4(ATP7B):c.3266G>T (p.Gly1089Val)

Gene: ATP7B (ATPase copper transporting beta; minus strand). Cytogenetic location: 13q14.3.
Variant type: single nucleotide variant.
Coding change: c.3266G>T on transcript NM_000053.4 (MANE Select); coding-DNA position 3266, G replaced by T.
Protein change: p.Gly1089Val; replaces glycine 1089 with valine.
Molecular consequence: missense variant.
Genome position (GRCh38, 1-based): chr13:51,942,532, C>A on the plus strand (G>T on the coding strand, the complement: ATP7B is on the minus strand). VCF-style: chr13-51942532-C-A. GRCh37 (hg19) VCF-style: chr13-52516668-C-A.
Other names: c.2645G>T, p.Gly882Val (NM_001005918.3); c.2933G>T, p.Gly978Val (NM_001243182.2); c.3032G>T, p.Gly1011Val (NM_001330578.2, NM_001406527.1, NM_001406528.1 and 1 more transcripts); c.3014G>T, p.Gly1005Val (NM_001330579.2, NM_001406531.1, NM_001406532.1); c.3266G>T, p.Gly1089Val (NM_001406511.1, NM_001406512.1, NM_001406526.1); c.3260G>T, p.Gly1087Val (NM_001406513.1); c.3233G>T, p.Gly1078Val (NM_001406514.1); c.3212G>T, p.Gly1071Val (NM_001406515.1, NM_001406516.1); and 19 more; short protein forms G1005V, G1009V, G1011V, G1024V, G1028V, G1030V, G1041V, G1044V.
Identifiers: ClinVar variation 2581395 (VCV002581395.1), dbSNP rs1555285911, ClinGen allele CA388028867.

ClinVar aggregate classification (germline): Uncertain significance (1 of 4 stars; one submission).

Submission:

Women's Health and Genetics/Laboratory Corporation of America, LabCorp
Classification: Uncertain significance. Last evaluated: 2023-08-28. Review status: criteria provided, single submitter. Criteria: LabCorp Variant Classification Summary - May 2015. Collection method: clinical testing. Allele origin: germline.
Comment: Variant summary: ATP7B c.3266G>T (p.Gly1089Val) results in a non-conservative amino acid change located in the P-type ATPase, subfamily IB (IPR027256) of the encoded protein sequence. This alters a highly conserved residue in which two other missense variants have been found in association with Wilson's disease (HGMD), suggesting this may be a clinically important amino acid. Five of five in-silico tools predict a damaging effect of the variant on protein function. The variant was absent in 249552 control chromosomes (gnomAD). c.3266G>T has been reported in the literature in individuals affected with Wilson Disease (Loudianos_1998, Gialluisi_2013). These data indicate that the variant may be associated with disease. To our knowledge, no experimental evidence demonstrating an impact on protein function has been reported. The following publications have been ascertained in the context of this evaluation (PMID: 9671269, 23486543). No submitters have cited clinical-significance assessments for this variant to ClinVar after 2014. Based on the evidence outlined above, the variant was classified as VUS-possibly pathogenic.

Literature cited by the submitters: PubMed 9671269; PubMed 23486543.